The following is an entry in ClinVar:

NM_001035.3(RYR2):c.11040-3C>T

Gene: RYR2 (ryanodine receptor 2; plus strand). Cytogenetic location: 1q43.
Variant type: single nucleotide variant.
Coding change: c.11040-3C>T on transcript NM_001035.3 (MANE Select); 3 bases into the intron before coding-DNA position 11040, C replaced by T.
Molecular consequence: intron variant.
Genome position (GRCh38, 1-based): chr1:237,733,702, C>T. VCF-style: chr1-237733702-C-T. GRCh37 (hg19) VCF-style: chr1-237897002-C-T.
Identifiers: ClinVar variation 229209 (VCV000229209.16), dbSNP rs876657984, ClinGen allele CA10576411.

ClinVar aggregate classification (germline): Conflicting classifications of pathogenicity. Review status: criteria provided, conflicting classifications (1 of 4 stars). 6 submissions from 5 submitters: Uncertain significance (4); Likely benign (2). Last evaluated 2023-05-04.

Conditions:
Catecholaminergic polymorphic ventricular tachycardia (CVPT). Also called: Catecholamine-induced polymorphic ventricular tachycardia. Identifiers: Orphanet 3286, MedGen C5574922, MONDO:0017990.
Cardiomyopathy (CMYO). Also called: Cardiomyopathies. Identifiers: Orphanet 167848, MedGen C0878544, MONDO:0004994, HP:0001638. Inheritance: Various modes of inheritance.
Catecholaminergic polymorphic ventricular tachycardia 1. Also called: VENTRICULAR TACHYCARDIA, STRESS-INDUCED POLYMORPHIC 1; RYR2-Related Catecholaminergic Polymorphic Ventricular Tachycardia; VENTRICULAR TACHYCARDIA, CATECHOLAMINERGIC POLYMORPHIC, 1, WITH OR WITHOUT ATRIAL DYSFUNCTION AND/OR DILATED CARDIOMYOPATHY. Identifiers: Orphanet 3286, MedGen C1631597, MONDO:0011484, OMIM 604772.
Arrhythmogenic right ventricular dysplasia 2. Identifiers: MedGen C1832931.

Allele frequency attached by ClinVar (database versions not stated): TOPMed below 0.00001; gnomAD 0.00001.
gnomAD v4.1: 2 of 1,606,900 alleles (0.00012%); highest among the groups gnomAD compares: African/African-American, 0.0013%; no homozygotes.

Submissions (6):

All of Us Research Program, National Institutes of Health
Classification: Likely benign for Catecholaminergic polymorphic ventricular tachycardia. Last evaluated: 2023-05-04. Review status: criteria provided, single submitter. Criteria: ACMG Guidelines, 2015. Collection method: clinical testing. Allele origin: germline. Inheritance: Autosomal dominant inheritance. Observed: 1 variant allele, 1 heterozygote.
Comment: This study involves interpretation of variants in research participants for the purpose of population health screening. Participant phenotype was not available at the time of variant classification. Additional details can be found in publication PMID: 35346344, PMCID: PMC8962531

Labcorp Genetics (formerly Invitae), Labcorp
Classification: Uncertain significance for Catecholaminergic polymorphic ventricular tachycardia 1. Last evaluated: 2022-04-08. Review status: criteria provided, single submitter. Criteria: Invitae Variant Classification Sherloc (09022015). Collection method: clinical testing. Allele origin: germline.
Comment: In summary, the available evidence is currently insufficient to determine the role of this variant in disease. Therefore, it has been classified as a Variant of Uncertain Significance. Variants that disrupt the consensus splice site are a relatively common cause of aberrant splicing (PMID: 17576681, 9536098). Algorithms developed to predict the effect of sequence changes on RNA splicing suggest that this variant is not likely to affect RNA splicing. ClinVar contains an entry for this variant (Variation ID: 229209). This variant has not been reported in the literature in individuals affected with RYR2-related conditions. This variant is present in population databases (no rsID available, gnomAD 0.007%). This sequence change falls in intron 78 of the RYR2 gene. It does not directly change the encoded amino acid sequence of the RYR2 protein. It affects a nucleotide within the consensus splice site.

Color Diagnostics, LLC DBA Color Health
Classification: Likely benign for Cardiomyopathy. Last evaluated: 2019-09-10. Review status: criteria provided, single submitter. Criteria: ACMG Guidelines, 2015. Collection method: clinical testing. Allele origin: germline.

Illumina Laboratory Services, Illumina
Classification: Uncertain significance for Catecholaminergic polymorphic ventricular tachycardia 1. Last evaluated: 2018-01-12. Review status: criteria provided, single submitter. Criteria: ICSL Variant Classification Criteria 13 December 2019. Collection method: clinical testing. Allele origin: germline.

Illumina Laboratory Services, Illumina
Classification: Uncertain significance for Catecholaminergic polymorphic ventricular tachycardia 1. Last evaluated: 2018-01-12. Review status: criteria provided, single submitter. Criteria: ICSL Variant Classification Criteria 13 December 2019. Collection method: clinical testing. Allele origin: germline.

Laboratory for Molecular Medicine, Mass General Brigham Personalized Medicine
Classification: Uncertain significance. Last evaluated: 2015-05-27. Review status: criteria provided, single submitter. Criteria: LMM Criteria. Collection method: clinical testing. Allele origin: germline. Observed: 1 variant allele.
Comment: The c.11040-3C>T variant in RYR2 has not been previously reported in individuals with cardiomyopathy or in large population studies. Although this variant is lo cated in the 3' splice region, computational tools do not suggest an impact to s plicing. However, this information is not predictive enough to rule out pathogen icity. In summary, the clinical significance of the c.11040-3C>T variant is unce rtain.

Literature cited by the submitters: PubMed 17576681 (cited by Labcorp Genetics (formerly Invitae), Labcorp); PubMed 9536098 (cited by Labcorp Genetics (formerly Invitae), Labcorp).